The following is an entry in ClinVar:

ClinVar aggregate classification (germline): Likely benign (0 of 4 stars; one submission).

Conditions:
NUP62-related disorder. Also called: NUP62-related condition.

Allele frequency attached by ClinVar (database versions not stated): TOPMed below 0.00001; gnomAD exomes 0.00004; gnomAD 0.00001.
gnomAD v4.1: 56 of 1,612,352 alleles (0.0035%); highest among the groups gnomAD compares: Non-Finnish European, 0.0047%; no homozygotes.

Submission:

PreventionGenetics, part of Exact Sciences
Classification: Likely benign for NUP62-related condition. Last evaluated: 2019-02-27. Review status: no assertion criteria provided. Collection method: clinical testing. Allele origin: germline.
Comment: This variant is classified as likely benign based on ACMG/AMP sequence variant interpretation guidelines (Richards et al. 2015 PMID: 25741868, with internal and published modifications).

NM_016553.5(NUP62):c.1146G>A (p.Val382=)

Genes: IL4I1 (interleukin 4 induced 1; minus strand), NUP62 (nucleoporin 62; minus strand). Cytogenetic location: 19q13.33.
Variant type: single nucleotide variant.
Coding change: c.1146G>A on transcript NM_016553.5 (MANE Select); coding-DNA position 1146, G replaced by A.
Protein change: p.Val382=; no amino-acid change (valine 382 retained).
Molecular consequence: synonymous variant. On other transcripts: intron variant (3).
Genome position (GRCh38, 1-based): chr19:49,908,662, C>T on the plus strand (G>A on the coding strand, the complement: NUP62 is on the minus strand). VCF-style: chr19-49908662-C-T. GRCh37 (hg19) VCF-style: chr19-50411919-C-T.
Other names: c.1146G>A, p.Val382= (NM_001193357.2, NM_012346.5, NM_153718.4 and 1 more transcripts); c.-227-4341G>A (NM_001258017.2, NM_172374.3); c.-285-4341G>A (NM_001258018.2).
Identifiers: ClinVar variation 3047740 (VCV003047740.2), dbSNP rs1277897453, ClinGen allele CA508298690.